The following is an entry in ClinVar:

ClinVar aggregate classification (germline): Uncertain significance (1 of 4 stars; one submission).

Allele frequency attached by ClinVar (database versions not stated): gnomAD exomes below 0.00001.

Submission:

Labcorp Genetics (formerly Invitae), Labcorp
Classification: Uncertain significance. Last evaluated: 2024-06-17. Review status: criteria provided, single submitter. Criteria: Invitae Variant Classification Sherloc (09022015). Collection method: clinical testing. Allele origin: germline.
Comment: This sequence change replaces threonine, which is neutral and polar, with methionine, which is neutral and non-polar, at codon 37 of the C1QTNF5 protein (p.Thr37Met). This variant is not present in population databases (gnomAD no frequency). This variant has not been reported in the literature in individuals affected with C1QTNF5-related conditions. An algorithm developed to predict the effect of missense changes on protein structure and function (PolyPhen-2) suggests that this variant is likely to be disruptive. In summary, the available evidence is currently insufficient to determine the role of this variant in disease. Therefore, it has been classified as a Variant of Uncertain Significance.

NM_001278431.2(C1QTNF5):c.110C>T (p.Thr37Met)

Genes: C1QTNF5 (C1q and TNF related 5; minus strand), MFRP (membrane frizzled-related protein; minus strand). Cytogenetic location: 11q23.3.
Variant type: single nucleotide variant.
Coding change: c.110C>T on transcript NM_001278431.2 (MANE Select); coding-DNA position 110, C replaced by T.
Protein change: p.Thr37Met; replaces threonine 37 with methionine.
Molecular consequence: missense variant. On other transcripts: 3 prime UTR variant (1).
Genome position (GRCh38, 1-based): chr11:119,340,288, G>A on the plus strand (C>T on the coding strand, the complement: C1QTNF5 is on the minus strand). VCF-style: chr11-119340288-G-A. GRCh37 (hg19) VCF-style: chr11-119210998-G-A.
Other names: c.110C>T, p.Thr37Met (NM_015645.5); c.*1006C>T (NM_031433.4); short protein forms T37M.
Identifiers: ClinVar variation 2843712 (VCV002843712.3), dbSNP rs1950488882, ClinGen allele CA382970790.